The following is an entry in ClinVar:

NM_015338.6(ASXL1):c.4198G>T (p.Glu1400Ter)

Gene: ASXL1 (ASXL transcriptional regulator 1; plus strand). Cytogenetic location: 20q11.21.
Variant type: single nucleotide variant.
Coding change: c.4198G>T on transcript NM_015338.6 (MANE Select); coding-DNA position 4198, G replaced by T.
Protein change: p.Glu1400Ter; replaces glutamic acid 1400 with a stop codon.
Molecular consequence: nonsense.
Genome position (GRCh38, 1-based): chr20:32,436,910, G>T. VCF-style: chr20-32436910-G-T. GRCh37 (hg19) VCF-style: chr20-31024713-G-T.
Other names: c.4015G>T, p.Glu1339Ter (NM_001363734.1); short protein forms E1400*, E1339*.
Identifiers: ClinVar variation 450465 (VCV000450465.2), dbSNP rs1555912930, ClinGen allele CA408564643.

ClinVar aggregate classification (germline): Pathogenic (1 of 4 stars; one submission).

Submission:

GeneDx
Classification: Pathogenic. Last evaluated: 2017-07-18. Review status: criteria provided, single submitter. Criteria: GeneDx Variant Classification (06012015). Collection method: clinical testing. Allele origin: germline. Affected: yes.
Comment: The E1400X variant in the ASXL1 gene has not been reported previously as a pathogenic variant nor as a benign variant, to our knowledge. This variant is predicted to cause loss of normal protein function through protein truncation with the loss of the last 142 amino acid residues. The E1400X variant is not observed in large population cohorts (Lek et al., 2016; 1000 Genomes Consortium et al., 2015; Exome Variant Server). We interpret E1400X as a pathogenic variant